The following is an entry in ClinVar:

ClinVar aggregate classification (germline): Pathogenic (1 of 4 stars; one submission).

Conditions:
Peutz-Jeghers syndrome (PJS). Also called: POLYPOSIS, HAMARTOMATOUS INTESTINAL; POLYPS-AND-SPOTS SYNDROME; Peutz-Jeghers polyposis; Periorificial lentiginosis syndrome. Identifiers: Orphanet 2869, MedGen C0031269, MeSH D010580, MONDO:0008280, OMIM 175200.

Submission:

Labcorp Genetics (formerly Invitae), Labcorp
Classification: Pathogenic for Peutz-Jeghers syndrome. Last evaluated: 2023-04-17. Review status: criteria provided, single submitter. Criteria: Invitae Variant Classification Sherloc (09022015). Collection method: clinical testing. Allele origin: germline.
Comment: For these reasons, this variant has been classified as Pathogenic. This variant has not been reported in the literature in individuals affected with STK11-related conditions. This variant is not present in population databases (gnomAD no frequency). This sequence change creates a premature translational stop signal (p.Met22Tyrfs*141) in the STK11 gene. It is expected to result in an absent or disrupted protein product. Loss-of-function variants in STK11 are known to be pathogenic (PMID: 15188174, 16287113).

Literature cited by the submitters: PubMed 15188174; PubMed 16287113.

NM_000455.5(STK11):c.62dup (p.Met22fs)

Gene: STK11 (serine/threonine kinase 11; plus strand). Cytogenetic location: 19p13.3.
Variant type: Duplication.
Coding change: c.62dup on transcript NM_000455.5 (MANE Select); coding-DNA position 62, one base duplicated (G; older notation c.62dupG).
Protein change: p.Met22fs; shifts the reading frame from methionine 22.
Molecular consequence: frameshift variant. On other transcripts: non-coding transcript variant (1).
Genome position (GRCh38, 1-based): chr19:1,206,975, G duplicated; the last of 3 consecutive G bases (chr19:1,206,973-1,206,975); duplicating any one gives the same sequence. VCF-style (leftmost placement, unchanged base first): chr19-1206972-T-TG. GRCh37 (hg19) VCF-style: chr19-1206971-T-TG.
Other names: c.62dup, p.Met22fs (NM_001407255.1); short protein forms M22fs.
Identifiers: ClinVar variation 2856500 (VCV002856500.3), dbSNP rs2512920785, ClinGen allele CA2739276330.